The following is an entry in ClinVar:

NM_004304.5(ALK):c.4051C>G (p.Pro1351Ala)

Gene: ALK (ALK receptor tyrosine kinase; minus strand). Cytogenetic location: 2p23.2.
Variant type: single nucleotide variant.
Coding change: c.4051C>G on transcript NM_004304.5 (MANE Select); coding-DNA position 4051, C replaced by G.
Protein change: p.Pro1351Ala; replaces proline 1351 with alanine.
Molecular consequence: missense variant.
Genome position (GRCh38, 1-based): chr2:29,197,564, G>C on the plus strand (C>G on the coding strand, the complement: ALK is on the minus strand). VCF-style: chr2-29197564-G-C. GRCh37 (hg19) VCF-style: chr2-29420430-G-C.
Other names: c.847C>G, p.Pro283Ala (NM_001353765.2); short protein forms P1351A, P283A.
Identifiers: ClinVar variation 947003 (VCV000947003.9), dbSNP rs1669054438, ClinGen allele CA346465890.

ClinVar aggregate classification (germline): Uncertain significance (1 of 4 stars; one submission).

Conditions:
Neuroblastoma, susceptibility to, 3. Also called: ALK-Related Neuroblastic Tumor Susceptibility. Identifiers: Orphanet 635, MedGen C2751681, MONDO:0013083, OMIM 613014.

Submission:

Labcorp Genetics (formerly Invitae), Labcorp
Classification: Uncertain significance for Neuroblastoma, susceptibility to, 3. Last evaluated: 2019-06-29. Review status: criteria provided, single submitter. Criteria: Invitae Variant Classification Sherloc (09022015). Collection method: clinical testing. Allele origin: germline.
Comment: In summary, the available evidence is currently insufficient to determine the role of this variant in disease. Therefore, it has been classified as a Variant of Uncertain Significance. Algorithms developed to predict the effect of missense changes on protein structure and function are either unavailable or do not agree on the potential impact of this missense change (SIFT: "Deleterious"; PolyPhen-2: "Probably Damaging"; Align-GVGD: "Class C0"). This variant has not been reported in the literature in individuals with ALK-related conditions. This variant is not present in population databases (ExAC no frequency). This sequence change replaces proline with alanine at codon 1351 of the ALK protein (p.Pro1351Ala). The proline residue is highly conserved and there is a small physicochemical difference between proline and alanine.